The following is an entry in ClinVar:

ClinVar aggregate classification (germline): Likely pathogenic (1 of 4 stars; one submission).

Conditions:
Brain small vessel disease 1 with or without ocular anomalies (BSVD1). Also called: PORENCEPHALY, TYPE 1, AUTOSOMAL DOMINANT; GOULD SYNDROME 1; Brain small vessel disease with or without ocular anomalies; BRAIN SMALL VESSEL DISEASE WITH HEMORRHAGE. Identifiers: Orphanet 2940, Orphanet 36383, Orphanet 99810, MedGen C4755307, MONDO:0008289, OMIM 175780.

Submission:

Molecular Genetics Department, Kulakov National Medical Research Center for Obstetrics, Gynecology and Perinatology
Classification: Likely pathogenic for Brain small vessel disease 1 with or without ocular anomalies. Review status: criteria provided, single submitter. Criteria: ACMG Guidelines, 2015. Collection method: clinical testing. Allele origin: de novo. Affected: yes. Observed: 1 variant allele.
Comment: A previously undescribed heterozygous nucleotide variant creates a missense p.Gly1103Trp in the COL4A1 gene. Heterozygous variants are reported in patients with brain small vessel disease with or without ocular anomalies, 175780. Another variant resulting in an amino acid substitution at the same position (p.Gly1103Arg) has been described as de novo in a patient with intracerebral hemorrhage [Lichtenbelt et. al., 2012, PMID:22223490]. Sanger sequencing revealed that the variant arose de novo (parentage confirmed). The variant is not present in population database (gnomAD no frequency). In summary, the currently available evidence indicates that the variant is pathogenic, but additional data are needed to prove that conclusively. Therefore, this variant has been classified as likely pathogenic.

Literature cited by the submitters: PubMed 22223490.

NM_001845.6(COL4A1):c.3307G>T (p.Gly1103Trp)

Gene: COL4A1 (collagen type IV alpha 1 chain; minus strand). Cytogenetic location: 13q34.
Variant type: single nucleotide variant.
Coding change: c.3307G>T on transcript NM_001845.6 (MANE Select); coding-DNA position 3307, G replaced by T.
Protein change: p.Gly1103Trp; replaces glycine 1103 with tryptophan.
Molecular consequence: missense variant.
Genome position (GRCh38, 1-based): chr13:110,174,641, C>A on the plus strand (G>T on the coding strand, the complement: COL4A1 is on the minus strand). VCF-style: chr13-110174641-C-A. GRCh37 (hg19) VCF-style: chr13-110826988-C-A.
Other names: short protein forms G1103W.
Identifiers: ClinVar variation 4294431 (VCV004294431.1).